The following is an entry in ClinVar:

ClinVar aggregate classification (germline): Uncertain significance (1 of 4 stars; one submission).

Allele frequency attached by ClinVar (database versions not stated): gnomAD exomes below 0.00001; ExAC 0.00001; gnomAD 0.00001.
gnomAD v4.1: 8 of 1,614,064 alleles (0.0005%); highest among the groups gnomAD compares: African/African-American, 0.0053%; no homozygotes.

Submission:

Labcorp Genetics (formerly Invitae), Labcorp
Classification: Uncertain significance. Last evaluated: 2023-06-24. Review status: criteria provided, single submitter. Criteria: Invitae Variant Classification Sherloc (09022015). Collection method: clinical testing. Allele origin: germline.
Comment: In summary, the available evidence is currently insufficient to determine the role of this variant in disease. Therefore, it has been classified as a Variant of Uncertain Significance. An algorithm developed to predict the effect of missense changes on protein structure and function (PolyPhen-2) suggests that this variant is likely to be tolerated. This variant has not been reported in the literature in individuals affected with ZHX3-related conditions. This variant is present in population databases (rs771895400, gnomAD 0.007%). This sequence change replaces tyrosine, which is neutral and polar, with cysteine, which is neutral and slightly polar, at codon 853 of the ZHX3 protein (p.Tyr853Cys).

NM_001384317.1(ZHX3):c.2558A>G (p.Tyr853Cys)

Gene: ZHX3 (zinc fingers and homeoboxes 3; minus strand). Cytogenetic location: 20q12.
Variant type: single nucleotide variant.
Coding change: c.2558A>G on transcript NM_001384317.1 (MANE Select); coding-DNA position 2558, A replaced by G.
Protein change: p.Tyr853Cys; replaces tyrosine 853 with cysteine.
Molecular consequence: missense variant.
Genome position (GRCh38, 1-based): chr20:41,202,359, T>C on the plus strand (A>G on the coding strand, the complement: ZHX3 is on the minus strand). VCF-style: chr20-41202359-T-C. GRCh37 (hg19) VCF-style: chr20-39830999-T-C.
Other names: c.2558A>G, p.Tyr853Cys (NM_001384315.1, NM_001384316.1, NM_001384318.1 and 8 more transcripts); short protein forms Y853C.
Identifiers: ClinVar variation 2995560 (VCV002995560.3), dbSNP rs771895400, ClinGen allele CA9859768.